The following is an entry in ClinVar:

ClinVar aggregate classification (germline): Uncertain significance. Review status: criteria provided, multiple submitters, no conflicts (2 of 4 stars). 4 submissions from 4 submitters: Uncertain significance (4). Last evaluated 2025-04-02.

Conditions:
Nephronophthisis. Also called: Juvenile Nephronophthisis. Identifiers: Orphanet 655, MedGen C0687120, MONDO:0019005, HP:0000090.
Inborn genetic diseases. Identifiers: MedGen C0950123, MeSH D030342.
Nephronophthisis 4 (NPHP4). Also called: NEPHRONOPHTHISIS 4, JUVENILE. Identifiers: Orphanet 655, MedGen C1847013, MONDO:0011752, OMIM 606966.
Senior-Loken syndrome 4 (SLSN4). Identifiers: Orphanet 3156, MedGen C1846979, MONDO:0011756, OMIM 606996.

Allele frequency attached by ClinVar (database versions not stated): ExAC 0.00002; gnomAD 0.00002 and 0.00003; gnomAD exomes 0.00002; TOPMed 0.00004; ESP Exome Variant Server 0.00008.
gnomAD v4.1: 23 of 1,613,876 alleles (0.0014%); highest among the groups gnomAD compares: South Asian, 0.0044%; no homozygotes.

Submissions (4):

Ambry Genetics
Classification: Uncertain significance for Inborn genetic diseases. Last evaluated: 2025-04-02. Review status: criteria provided, single submitter. Criteria: Ambry Variant Classification Scheme 2023. Collection method: clinical testing. Allele origin: germline.

Fulgent Genetics
Classification: Uncertain significance for Nephronophthisis 4; Senior-Loken syndrome 4. Last evaluated: 2024-04-16. Review status: criteria provided, single submitter. Criteria: ACMG Guidelines, 2015. Collection method: clinical testing. Allele origin: germline.

Labcorp Genetics (formerly Invitae), Labcorp
Classification: Uncertain significance for Nephronophthisis. Last evaluated: 2022-07-06. Review status: criteria provided, single submitter. Criteria: Invitae Variant Classification Sherloc (09022015). Collection method: clinical testing. Allele origin: germline.
Comment: Algorithms developed to predict the effect of missense changes on protein structure and function are either unavailable or do not agree on the potential impact of this missense change (SIFT: "Deleterious"; PolyPhen-2: "Possibly Damaging"; Align-GVGD: "Class C0"). In summary, the available evidence is currently insufficient to determine the role of this variant in disease. Therefore, it has been classified as a Variant of Uncertain Significance. ClinVar contains an entry for this variant (Variation ID: 595176). This variant has not been reported in the literature in individuals affected with NPHP4-related conditions. This variant is present in population databases (rs373624347, gnomAD 0.007%). This sequence change replaces valine, which is neutral and non-polar, with methionine, which is neutral and non-polar, at codon 363 of the NPHP4 protein (p.Val363Met).

Eurofins Ntd Llc (ga)
Classification: Uncertain significance. Last evaluated: 2017-11-28. Review status: criteria provided, single submitter. Criteria: EGL Classification Definitions 2015. Collection method: clinical testing. Allele origin: germline. Observed: 1 variant allele, 1 heterozygote.

NM_015102.5(NPHP4):c.1087G>A (p.Val363Met)

Gene: NPHP4 (nephrocystin 4; minus strand). Cytogenetic location: 1p36.31.
Variant type: single nucleotide variant.
Coding change: c.1087G>A on transcript NM_015102.5 (MANE Select); coding-DNA position 1087, G replaced by A.
Protein change: p.Val363Met; replaces valine 363 with methionine.
Molecular consequence: missense variant. On other transcripts: 5 prime UTR variant (2), non-coding transcript variant (1).
Genome position (GRCh38, 1-based): chr1:5,947,136, C>T on the plus strand (G>A on the coding strand, the complement: NPHP4 is on the minus strand). VCF-style: chr1-5947136-C-T. GRCh37 (hg19) VCF-style: chr1-6007196-C-T.
Other names: c.1087G>A (NM_015102.3); c.-280G>A (NM_001291593.2, NM_001291594.2); short protein forms V363M.
Identifiers: ClinVar variation 595176 (VCV000595176.11), dbSNP rs373624347, ClinGen allele CA554647.